The following is an entry in ClinVar:

NM_002609.4(PDGFRB):c.511G>T (p.Val171Phe)

Gene: PDGFRB (platelet derived growth factor receptor beta; minus strand). Cytogenetic location: 5q32.
Variant type: single nucleotide variant.
Coding change: c.511G>T on transcript NM_002609.4 (MANE Select); coding-DNA position 511, G replaced by T.
Protein change: p.Val171Phe; replaces valine 171 with phenylalanine.
Molecular consequence: missense variant. On other transcripts: 5 prime UTR variant (1).
Genome position (GRCh38, 1-based): chr5:150,134,870, C>A on the plus strand (G>T on the coding strand, the complement: PDGFRB is on the minus strand). VCF-style: chr5-150134870-C-A. GRCh37 (hg19) VCF-style: chr5-149514433-C-A.
Other names: c.319G>T, p.Val107Phe (NM_001355016.2); c.-7G>T (NM_001355017.2); short protein forms V107F, V171F.
Identifiers: ClinVar variation 2945538 (VCV002945538.3), dbSNP rs2113910822, ClinGen allele CA361725636.

ClinVar aggregate classification (germline): Uncertain significance (1 of 4 stars; one submission).

Conditions:
Infantile myofibromatosis (IMF). Also called: Congenital generalized fibromatosis. Identifiers: Orphanet 2591, MedGen C0432284, MONDO:0016824.
Skeletal overgrowth-craniofacial dysmorphism-hyperelastic skin-white matter lesions syndrome. Also called: SKELETAL OVERGROWTH WITH FACIAL DYSMORPHISM, HYPERELASTIC SKIN, WHITE MATTER LESIONS, AND NEUROLOGIC DETERIORATION; Kosaki overgrowth syndrome. Identifiers: Orphanet 477831, MedGen C4225270, MONDO:0014704, OMIM 616592.
Acroosteolysis-keloid-like lesions-premature aging syndrome. Also called: Premature aging syndrome, Penttinen type; Prematurely aged appearance, delayed bone maturation, acro-osteolysis, and brachydactyly; Progeroid syndrome, Penttinen type. Identifiers: Orphanet 363665, MedGen C1866182, MONDO:0011150, OMIM 601812.
Basal ganglia calcification, idiopathic, 4 (PFBC4). Also called: Familial Idiopathic Basal Ganglia Calcification 4; PRIMARY FAMILIAL BRAIN CALCIFICATION 4, AUTOSOMAL DOMINANT. Identifiers: Orphanet 1980, MedGen C3554321, MONDO:0014004, OMIM 615007.

Submission:

Labcorp Genetics (formerly Invitae), Labcorp
Classification: Uncertain significance for Basal ganglia calcification, idiopathic, 4; Skeletal overgrowth-craniofacial dysmorphism-hyperelastic skin-white matter lesions syndrome; Infantile myofibromatosis; Acroosteolysis-keloid-like lesions-premature aging syndrome. Last evaluated: 2023-10-13. Review status: criteria provided, single submitter. Criteria: Invitae Variant Classification Sherloc (09022015). Collection method: clinical testing. Allele origin: germline.
Comment: This sequence change replaces valine, which is neutral and non-polar, with phenylalanine, which is neutral and non-polar, at codon 171 of the PDGFRB protein (p.Val171Phe). This variant is not present in population databases (gnomAD no frequency). This variant has not been reported in the literature in individuals affected with PDGFRB-related conditions. Advanced modeling of protein sequence and biophysical properties (such as structural, functional, and spatial information, amino acid conservation, physicochemical variation, residue mobility, and thermodynamic stability) performed at Invitae indicates that this missense variant is not expected to disrupt PDGFRB protein function. In summary, the available evidence is currently insufficient to determine the role of this variant in disease. Therefore, it has been classified as a Variant of Uncertain Significance.